The following is an entry in ClinVar:

NM_001136219.3(FCGR2A):c.619+6G>A

Gene: FCGR2A (Fc gamma receptor IIa; plus strand). Cytogenetic location: 1q23.3.
Variant type: single nucleotide variant.
Coding change: c.619+6G>A on transcript NM_001136219.3 (MANE Select); 6 bases into the intron after coding-DNA position 619, G replaced by A.
Molecular consequence: intron variant.
Genome position (GRCh38, 1-based): chr1:161,510,080, G>A. VCF-style: chr1-161510080-G-A. GRCh37 (hg19) VCF-style: chr1-161479870-G-A.
Other names: c.619+6G>A (NM_001375296.1); c.616+6G>A (NM_021642.5, NM_001375297.1).
Identifiers: ClinVar variation 4280885 (VCV004280885.7).
Genomic context (GRCh38, chr1:161,510,080, plus strand): 5'-GGAAACATAGGCTACACGCTGTTCTCATCCAAGCCTGTGACCATCACTGTCCAAGGTATG[G>A]GGAGTCTGCCAAGATGTAGGGAGGGGAGAAGAGGGGATGGACAAGGGCTGAGGTCACATG-3'

ClinVar aggregate classification (germline): Likely benign (1 of 4 stars; one submission).

gnomAD v4.1: 879 of 1,613,068 alleles (0.054%); highest among the groups gnomAD compares: South Asian, 0.11%; 1 homozygote.

Submission:

CeGaT Center for Human Genetics Tuebingen
Classification: Likely benign. Last evaluated: 2025-09-01. Review status: criteria provided, single submitter. Criteria: CeGaT Center For Human Genetics Tuebingen Variant Classification Criteria Version 2. Collection method: clinical testing. Allele origin: germline. Affected: yes. Observed: 1 variant allele.
Comment: FCGR2A: BP4